The following is an entry in ClinVar:

ClinVar aggregate classification (germline): Likely pathogenic. Review status: criteria provided, multiple submitters, no conflicts (2 of 4 stars). 2 submissions from 2 submitters: Likely pathogenic (2). Last evaluated 2023-06-09.

Conditions:
Breast-ovarian cancer, familial, susceptibility to, 4. Identifiers: Orphanet 145, MedGen C3280345, MONDO:0013669, OMIM 614291.

Submissions (2):

Myriad Genetics, Inc.
Classification: Likely pathogenic for Breast-ovarian cancer, familial, susceptibility to, 4. Last evaluated: 2023-06-09. Review status: criteria provided, single submitter. Criteria: Myriad Autosomal Dominant, Autosomal Recessive and X-Linked Classification Criteria (2023). Collection method: clinical testing. Allele origin: unknown.
Comment: This variant is considered likely pathogenic. This variant occurs within a consensus splice junction and is predicted to result in abnormal mRNA splicing of either an out-of-frame exon or an in-frame exon necessary for protein stability and/or normal function.

Labcorp Genetics (formerly Invitae), Labcorp
Classification: Likely pathogenic for Breast-ovarian cancer, familial, susceptibility to, 4. Last evaluated: 2021-08-02. Review status: criteria provided, single submitter. Criteria: Invitae Variant Classification Sherloc (09022015). Collection method: clinical testing. Allele origin: germline.
Comment: Algorithms developed to predict the effect of sequence changes on RNA splicing suggest that this variant may disrupt the consensus splice site. In summary, the currently available evidence indicates that the variant is pathogenic, but additional data are needed to prove that conclusively. Therefore, this variant has been classified as Likely Pathogenic. This variant has not been reported in the literature in individuals affected with RAD51D-related conditions. This variant is not present in population databases (ExAC no frequency). This sequence change affects an acceptor splice site in intron 2 of the RAD51D gene. It is expected to disrupt RNA splicing. Variants that disrupt the donor or acceptor splice site typically lead to a loss of protein function (PMID: 16199547), and loss-of-function variants in RAD51D are known to be pathogenic (PMID: 21822267).

Literature cited by the submitters: PubMed 16199547 (cited by Labcorp Genetics (formerly Invitae), Labcorp); PubMed 21822267 (cited by Labcorp Genetics (formerly Invitae), Labcorp).

NM_002878.4(RAD51D):c.145-2A>G

Genes: RAD51D (RAD51 paralog D; minus strand), RAD51L3-RFFL (RAD51L3-RFFL readthrough; minus strand). Cytogenetic location: 17q12.
Variant type: single nucleotide variant.
Coding change: c.145-2A>G on transcript NM_002878.4 (MANE Select); the canonical splice acceptor site of the intron before coding-DNA position 145, A replaced by G.
Molecular consequence: splice acceptor variant. On other transcripts: intron variant (2).
Genome position (GRCh38, 1-based): chr17:35,118,621, T>C on the plus strand (A>G on the coding strand, the complement: RAD51D is on the minus strand). VCF-style: chr17-35118621-T-C. GRCh37 (hg19) VCF-style: chr17-33445640-T-C.
Other names: c.144+490A>G (NM_133629.3, NM_001142571.2).
Identifiers: ClinVar variation 1477070 (VCV001477070.8), dbSNP rs2142474941, ClinGen allele CA399091650.
Genomic context (GRCh38, chr17:35,118,621, plus strand): 5'-CCATTCACGGGGAAAGCCGAGAACTGAGCCAGCAGCACCCGCCTCAGGGCAACCAGGGCC[T>C]GCCAAAGGGCCCCAGACTGCTCAGCAACAAATTGCCCGTAGAAGCTGGCATCCCAGGGTG-3'